The following is an entry in ClinVar:

ClinVar aggregate classification (germline): Uncertain significance (1 of 4 stars; one submission).

Submission:

Labcorp Genetics (formerly Invitae), Labcorp
Classification: Uncertain significance. Last evaluated: 2024-10-29. Review status: criteria provided, single submitter. Criteria: Invitae Variant Classification Sherloc (09022015). Collection method: clinical testing. Allele origin: germline.
Comment: This sequence change replaces serine, which is neutral and polar, with threonine, which is neutral and polar, at codon 141 of the IL6R protein (p.Ser141Thr). This variant is not present in population databases (gnomAD no frequency). This variant has not been reported in the literature in individuals affected with IL6R-related conditions. ClinVar contains an entry for this variant (Variation ID: 1716913). An algorithm developed to predict the effect of missense changes on protein structure and function (PolyPhen-2) suggests that this variant is likely to be disruptive. In summary, the available evidence is currently insufficient to determine the role of this variant in disease. Therefore, it has been classified as a Variant of Uncertain Significance.

NM_000565.4(IL6R):c.421T>A (p.Ser141Thr)

Gene: IL6R (interleukin 6 receptor; plus strand). Cytogenetic location: 1q21.3.
Variant type: single nucleotide variant.
Coding change: c.421T>A on transcript NM_000565.4 (MANE Select); coding-DNA position 421, T replaced by A.
Protein change: p.Ser141Thr; replaces serine 141 with threonine.
Molecular consequence: missense variant. On other transcripts: intron variant (1).
Genome position (GRCh38, 1-based): chr1:154,430,569, T>A. VCF-style: chr1-154430569-T-A. GRCh37 (hg19) VCF-style: chr1-154403045-T-A.
Other names: c.421T>A, p.Ser141Thr (NM_001206866.2, NM_001382769.1, NM_001382770.1 and 4 more transcripts); c.126+1333T>A (NM_001382774.1); short protein forms S141T.
Identifiers: ClinVar variation 1716913 (VCV001716913.5), dbSNP rs1319613956, ClinGen allele CA342607242.